The following is an entry in ClinVar:

NM_138369.3(BOD1):c.451C>T (p.Arg151Ter)

Gene: BOD1 (biorientation of chromosomes in cell division 1; minus strand). Cytogenetic location: 5q35.2.
Variant type: single nucleotide variant.
Coding change: c.451C>T on transcript NM_138369.3 (MANE Select); coding-DNA position 451, C replaced by T.
Protein change: p.Arg151Ter; replaces arginine 151 with a stop codon.
Molecular consequence: nonsense. On other transcripts: non-coding transcript variant (4), intron variant (1).
Genome position (GRCh38, 1-based): chr5:173,609,346, G>A on the plus strand (C>T on the coding strand, the complement: BOD1 is on the minus strand). VCF-style: chr5-173609346-G-A. GRCh37 (hg19) VCF-style: chr5-173036349-G-A.
Other names: c.363-1054C>T (NM_001159651.3); short protein forms R151*.
Identifiers: ClinVar variation 3900237 (VCV003900237.2).

ClinVar aggregate classification (germline): Likely pathogenic (1 of 4 stars; one submission).

Submission:

GeneDx
Classification: Likely pathogenic. Last evaluated: 2026-09-23. Review status: criteria provided, single submitter. Criteria: GeneDx Variant Classification Process June 2021. Collection method: clinical testing. Allele origin: germline.
Comment: Nonsense variant predicted to result in protein truncation as the last 35 amino acids are lost; This variant is associated with the following publications: (PMID: 34241636, 32578875)